The following is an entry in ClinVar:

ClinVar aggregate classification (germline): Uncertain significance (1 of 4 stars; one submission).

Submission:

GeneDx
Classification: Uncertain significance. Last evaluated: 2022-07-06. Review status: criteria provided, single submitter. Criteria: GeneDx Variant Classification Process June 2021. Collection method: clinical testing. Allele origin: germline. Affected: yes.
Comment: Frameshift variant predicted to result in protein truncation as the last 82 amino acids are replaced with 32 different amino acids, although loss-of-function variants have not been reported downstream of this position in the protein; Not observed at significant frequency in large population cohorts (gnomAD); Has not been previously published as pathogenic or benign to our knowledge

NM_001387430.1(SH2B1):c.2024_2027del (p.Lys675fs)

Gene: SH2B1 (SH2B adaptor protein 1; plus strand). Cytogenetic location: 16p11.2.
Variant type: Deletion.
Coding change: c.2024_2027del on transcript NM_001387430.1 (MANE Select); coding-DNA positions 2024 to 2027, 4 bases deleted (AAGA; older notation c.2024_2027delAAGA).
Protein change: p.Lys675fs; shifts the reading frame from lysine 675.
Molecular consequence: frameshift variant. On other transcripts: 3 prime UTR variant (5).
Genome position (GRCh38, 1-based): chr16:28,873,573-28,873,576, AAGA deleted; deleting any 4 consecutive bases within chr16:28,873,572-28,873,576 gives the same sequence; the c. name uses the placement nearest the transcript's 3' end. VCF-style (leftmost placement, unchanged base first): chr16-28873571-CAAAG-C. GRCh37 (hg19) VCF-style: chr16-28884892-CAAAG-C.
Other names: c.2024_2027del, p.Lys675fs (NM_001145795.2, NM_001308293.2, NM_001387404.1); c.*108_*111del (NM_001145796.2, NM_001145812.2, NM_001308294.2 and 1 more transcripts); c.*125_*128del (NM_001145797.2); short protein forms K675fs.
Identifiers: ClinVar variation 1810736 (VCV001810736.1), dbSNP rs2544895212, ClinGen allele CA494873635.
Genomic context (GRCh38, chr16:28,873,571, plus strand): 5'-GCCTGGGGCAGAAGAGGCGTCGAGGGCGCCAGAAGTGGCGGCAGCAGCAGCCGCAGCAGC[CAAAG>C]AGAGGCAAGAGAAAGAGAAAGCGGGCGGTGGAGGGGTCCCGGAAGAGCTGGTCCCCGTGG-3'